The following is an entry in ClinVar:

ClinVar aggregate classification (germline): Uncertain significance (1 of 4 stars; one submission).

Submission:

GeneDx
Classification: Uncertain significance. Last evaluated: 2023-11-16. Review status: criteria provided, single submitter. Criteria: GeneDx Variant Classification Process June 2021. Collection method: clinical testing. Allele origin: germline. Affected: yes.
Comment: Not observed at significant frequency in large population cohorts (gnomAD); In silico analysis supports that this missense variant has a deleterious effect on protein structure/function; Has not been previously published as pathogenic or benign to our knowledge

NM_002804.5(PSMC3):c.95A>G (p.Glu32Gly)

Gene: PSMC3 (proteasome 26S subunit, ATPase 3; minus strand). Cytogenetic location: 11p11.2.
Variant type: single nucleotide variant.
Coding change: c.95A>G on transcript NM_002804.5 (MANE Select); coding-DNA position 95, A replaced by G.
Protein change: p.Glu32Gly; replaces glutamic acid 32 with glycine.
Molecular consequence: missense variant.
Genome position (GRCh38, 1-based): chr11:47,425,931, T>C on the plus strand (A>G on the coding strand, the complement: PSMC3 is on the minus strand). VCF-style: chr11-47425931-T-C. GRCh37 (hg19) VCF-style: chr11-47447482-T-C.
Other names: short protein forms E32G.
Identifiers: ClinVar variation 3364028 (VCV003364028.1).